The following is an entry in ClinVar:

NM_000243.3(MEFV):c.2045dup (p.Ser683fs)

Genes: MEFV (MEFV innate immunity regulator, pyrin; minus strand), LOC126862264 (CDK7 strongly-dependent group 2 enhancer GRCh37_chr16:3293322-3294521; plus strand). Cytogenetic location: 16p13.3.
Variant type: Duplication.
Coding change: c.2045dup on transcript NM_000243.3 (MANE Select); coding-DNA position 2045, one base duplicated (T; older notation c.2045dupT).
Protein change: p.Ser683fs; shifts the reading frame from serine 683.
Molecular consequence: frameshift variant. On other transcripts: 3 prime UTR variant (1).
Genome position (GRCh38, 1-based): chr16:3,243,442, A duplicated on the plus strand (T on the coding strand, the reverse complement: MEFV is on the minus strand). VCF-style (leftmost placement, unchanged base first): chr16-3243441-C-CA. GRCh37 (hg19) VCF-style: chr16-3293441-C-CA.
Other names: c.2045dup (NM_000243.2); c.*249dup (NM_001198536.2); short protein forms S683fs.
Identifiers: ClinVar variation 1406503 (VCV001406503.4), dbSNP rs1242998026, ClinGen allele CA720024633.

ClinVar aggregate classification (germline): Uncertain significance. Review status: criteria provided, multiple submitters, no conflicts (2 of 4 stars). 2 submissions from 2 submitters: Uncertain significance (2). Last evaluated 2023-04-14.

Conditions:
Familial Mediterranean fever (FMF). Also called: Periodic peritonitis; Benign paroxysmal peritonitis; POLYSEROSITIS, FAMILIAL PAROXYSMAL; POLYSEROSITIS, RECURRENT. Identifiers: Orphanet 342, MedGen C0031069, MONDO:0018088, OMIM 249100. Disease mechanism: gain of function.

Allele frequency attached by ClinVar (database versions not stated): gnomAD 0.00001; TOPMed 0.00001; gnomAD exomes below 0.00001.

Submissions (2):

GeneDx
Classification: Uncertain significance. Last evaluated: 2023-04-14. Review status: criteria provided, single submitter. Criteria: GeneDx Variant Classification Process June 2021. Collection method: clinical testing. Allele origin: germline. Affected: yes.
Comment: Frameshift variant predicted to result in protein truncation, as the last 99 amino acids are replaced with 15 different amino acids; Not observed at significant frequency in large population cohorts (gnomAD); Has not been previously published as pathogenic or benign to our knowledge

Labcorp Genetics (formerly Invitae), Labcorp
Classification: Uncertain significance for Familial Mediterranean fever. Last evaluated: 2021-05-10. Review status: criteria provided, single submitter. Criteria: Invitae Variant Classification Sherloc (09022015). Collection method: clinical testing. Allele origin: germline.
Comment: This sequence change creates a premature translational stop signal (p.Ser683Valfs*16) in the MEFV gene. While this is not anticipated to result in nonsense mediated decay, it is expected to disrupt the last 99 amino acid(s) of the MEFV protein. This variant is not present in population databases (ExAC no frequency). This variant has not been reported in the literature in individuals with MEFV-related conditions. In summary, the available evidence is currently insufficient to determine the role of this variant in disease. Therefore, it has been classified as a Variant of Uncertain Significance.